The following is an entry in ClinVar:

ClinVar aggregate classification (germline): Conflicting classifications of pathogenicity. Review status: criteria provided, conflicting classifications (1 of 4 stars). 3 submissions from 3 submitters: Uncertain significance (2); Likely benign (1). Last evaluated 2026-01-11.

Conditions:
Familial sleep-related hypermotor epilepsy. Also called: Autosomal Dominant Sleep-Related Hypermotor (Hyperkinetic) Epilepsy. Identifiers: Orphanet 98784, MedGen C3696898, MONDO:0000030.
Inborn genetic diseases. Identifiers: MedGen C0950123, MeSH D030342.

Allele frequency attached by ClinVar (database versions not stated): ExAC 0.00005; gnomAD exomes 0.00006 and 0.00002; gnomAD 0.00004 and 0.00002; 1000 Genomes Project 0.00020; 1000 Genomes Project 30x 0.00016; TOPMed 0.00001.
gnomAD v4.1: 41 of 1,613,960 alleles (0.0025%); highest among the groups gnomAD compares: Middle Eastern, 0.016%; no homozygotes.

Submissions (3):

Labcorp Genetics (formerly Invitae), Labcorp
Classification: Likely benign. Last evaluated: 2026-01-11. Review status: criteria provided, single submitter. Criteria: Invitae Variant Classification Sherloc (09022015). Collection method: clinical testing. Allele origin: germline.

ARUP Laboratories, Molecular Genetics and Genomics, ARUP Laboratories
Classification: Uncertain significance. Last evaluated: 2023-10-06. Review status: criteria provided, single submitter. Criteria: ARUP Molecular Germline Variant Investigation Process 2024. Collection method: clinical testing. Allele origin: germline.

Ambry Genetics
Classification: Uncertain significance for Inborn genetic diseases. Last evaluated: 2017-05-26. Review status: criteria provided, single submitter. Criteria: Ambry Variant Classification Scheme 2023. Collection method: clinical testing. Allele origin: germline.
Comment: The p.T324M variant (also known as c.971C>T), located in coding exon 5 of the CHRNA4 gene, results from a C to T substitution at nucleotide position 971. The threonine at codon 324 is replaced by methionine, an amino acid with similar properties. This amino acid position is highly conserved in available vertebrate species. In addition, this alteration is predicted to be deleterious by in silico analysis. Since supporting evidence is limited at this time, the clinical significance of this alteration remains unclear.

NM_000744.7(CHRNA4):c.971C>T (p.Thr324Met)

Gene: CHRNA4 (cholinergic receptor nicotinic alpha 4 subunit; minus strand). Cytogenetic location: 20q13.33.
Variant type: single nucleotide variant.
Coding change: c.971C>T on transcript NM_000744.7 (MANE Select); coding-DNA position 971, C replaced by T.
Protein change: p.Thr324Met; replaces threonine 324 with methionine.
Molecular consequence: missense variant. On other transcripts: non-coding transcript variant (1).
Genome position (GRCh38, 1-based): chr20:63,350,440, G>A on the plus strand (C>T on the coding strand, the complement: CHRNA4 is on the minus strand). VCF-style: chr20-63350440-G-A. GRCh37 (hg19) VCF-style: chr20-61981792-G-A.
Other names: c.443C>T, p.Thr148Met (NM_001256573.2); short protein forms T324M, T148M.
Identifiers: ClinVar variation 590159 (VCV000590159.14), dbSNP rs531615515, ClinGen allele CA9957690.